The following is an entry in ClinVar:

ClinVar aggregate classification (germline): Pathogenic (1 of 4 stars; one submission).

Submission:

GeneDx
Classification: Pathogenic. Last evaluated: 2024-11-15. Review status: criteria provided, single submitter. Criteria: GeneDx Variant Classification Process June 2021. Collection method: clinical testing. Allele origin: germline. Affected: yes.
Comment: Identified in a patient with MED13L-related neurodevelopmental disorder with multiple anomalies who inherited the variant from an unaffected parent who is mosaic (PMID: 39257968); Frameshift variant predicted to result in protein truncation or nonsense mediated decay in a gene for which loss of function is a known mechanism of disease; Not observed at significant frequency in large population cohorts (gnomAD); This variant is associated with the following publications: (PMID: 39257968)

NM_015335.5(MED13L):c.5471del (p.Asn1824fs)

Gene: MED13L (mediator complex subunit 13L; minus strand). Cytogenetic location: 12q24.21.
Variant type: Deletion.
Coding change: c.5471del on transcript NM_015335.5 (MANE Select); coding-DNA position 5471, one base deleted (A; older notation c.5471delA).
Protein change: p.Asn1824fs; shifts the reading frame from asparagine 1824.
Molecular consequence: frameshift variant.
Genome position (GRCh38, 1-based): chr12:115,975,632, T deleted on the plus strand (A on the coding strand, the reverse complement: MED13L is on the minus strand); the first of 2 consecutive T bases (chr12:115,975,632-115,975,633); deleting either gives the same sequence. VCF-style (leftmost placement, unchanged base first): chr12-115975631-AT-A. GRCh37 (hg19) VCF-style: chr12-116413436-AT-A.
Other names: short protein forms N1824fs.
Identifiers: ClinVar variation 1723046 (VCV001723046.3), dbSNP rs2499798910, ClinGen allele CA2580085862.
Genomic context (GRCh38, chr12:115,975,631, plus strand): 5'-AGTGCAGGAAGCCAAAAGCCAGCGCTGGTCGTGAGACAGACAATAGCCCACGAAGAGCAC[AT>A]TGTATTTCTGGCTCGCCTCACCAAACGTCTCTCCCAGCTCTGTCTGCTTGTCTTTGATTG-3'